The following is an entry in ClinVar:

NM_005159.5(ACTC1):c.204C>T (p.Thr68=)

Genes: ACTC1 (actin alpha cardiac muscle 1; minus strand), GJD2-DT (GJD2 divergent transcript; plus strand). Cytogenetic location: 15q14.
Variant type: single nucleotide variant.
Coding change: c.204C>T on transcript NM_005159.5 (MANE Select); coding-DNA position 204, C replaced by T.
Protein change: p.Thr68=; no amino-acid change (threonine 68 retained).
Molecular consequence: synonymous variant.
Genome position (GRCh38, 1-based): chr15:34,793,495, G>A on the plus strand (C>T on the coding strand, the complement: ACTC1 is on the minus strand). VCF-style: chr15-34793495-G-A. GRCh37 (hg19) VCF-style: chr15-35085696-G-A.
Identifiers: ClinVar variation 923981 (VCV000923981.12), dbSNP rs1891751214, ClinGen allele CA489655473.

ClinVar aggregate classification (germline): Likely benign. Review status: criteria provided, multiple submitters, no conflicts (2 of 4 stars). 5 submissions from 5 submitters: Likely benign (5). Last evaluated 2025-07-13.

Conditions:
Cardiomyopathy (CMYO). Also called: Cardiomyopathies. Identifiers: Orphanet 167848, MedGen C0878544, MONDO:0004994, HP:0001638. Inheritance: Various modes of inheritance.
Atrial septal defect 5 (ASD5). Identifiers: Orphanet 1478, MedGen C2748552, MONDO:0013011, OMIM 612794.
Hypertrophic cardiomyopathy 11. Also called: ACTC1-Related Familial Hypertrophic Cardiomyopathy. Identifiers: MedGen C2677506, MONDO:0012799, OMIM 612098.
Dilated cardiomyopathy 1R (CMD1R). Identifiers: Orphanet 154, Orphanet 54260, MedGen C3150681, MONDO:0013261, OMIM 613424.
Hypertrophic cardiomyopathy. Also called: HYPERTROPHIC MYOCARDIOPATHY. Identifiers: Orphanet 217569, MedGen C0007194, MeSH D002312, MONDO:0005045, HP:0001639.

Allele frequency attached by ClinVar (database versions not stated): gnomAD exomes 0.00001; TOPMed 0.00001.
gnomAD v4.1: 6 of 1,614,036 alleles (0.00037%); highest among the groups gnomAD compares: Non-Finnish European, 0.00042%; no homozygotes.

Submissions (5):

Labcorp Genetics (formerly Invitae), Labcorp
Classification: Likely benign for Dilated cardiomyopathy 1R; Hypertrophic cardiomyopathy 11; Atrial septal defect 5. Last evaluated: 2025-07-13. Review status: criteria provided, single submitter. Criteria: Invitae Variant Classification Sherloc (09022015). Collection method: clinical testing. Allele origin: germline.

Blueprint Genetics
Classification: Likely benign. Last evaluated: 2024-06-03. Review status: criteria provided, single submitter. Criteria: ACMG Guidelines, 2015. Collection method: clinical testing. Allele origin: germline.

All of Us Research Program, National Institutes of Health
Classification: Likely benign for Hypertrophic cardiomyopathy. Last evaluated: 2023-02-24. Review status: criteria provided, single submitter. Criteria: ACMG Guidelines, 2015. Collection method: clinical testing. Allele origin: germline. Inheritance: Autosomal dominant inheritance. Observed: 1 variant allele, 1 heterozygote.
Comment: This study involves interpretation of variants in research participants for the purpose of population health screening. Participant phenotype was not available at the time of variant classification. Additional details can be found in publication PMID: 35346344, PMCID: PMC8962531

Color Diagnostics, LLC DBA Color Health
Classification: Likely benign for Cardiomyopathy. Last evaluated: 2018-11-09. Review status: criteria provided, single submitter. Criteria: ACMG Guidelines, 2015. Collection method: clinical testing. Allele origin: germline.

Breakthrough Genomics
Classification: Likely benign. Review status: criteria provided, single submitter. Criteria: ACMG Guidelines, 2015. Collection method: not provided. Allele origin: germline. Inheritance: Autosomal dominant inheritance. Affected: yes.